The following is an entry in ClinVar:

ClinVar aggregate classification (germline): Likely pathogenic (1 of 4 stars; one submission).

Conditions:
Neurodevelopmental disorder with hypotonia, neuropathy, and deafness (NEDHND). Also called: Myopathy, congenital, with neuropathy and deafness; SPTBN4 Disorder. Identifiers: MedGen C4479603, MONDO:0060496, OMIM 617519.

Submission:

3billion
Classification: Likely pathogenic for Neurodevelopmental disorder with hypotonia, neuropathy, and deafness. Last evaluated: 2023-07-27. Review status: criteria provided, single submitter. Criteria: ACMG Guidelines, 2015. Collection method: clinical testing. Allele origin: germline. Affected: yes.
Comment: The variant is not observed in the gnomAD v2.1.1 dataset. Predicted Consequence/Location: Canonical splice site: predicted to alter splicing and result in a loss or disruption of normal protein function. Multiple pathogenic loss-of-function variants are reported downstream of the variant. Therefore, this variant is classified as Likely pathogenic according to the recommendation of ACMG/AMP guideline.

NM_020971.3(SPTBN4):c.3948+1G>A

Gene: SPTBN4 (spectrin beta, non-erythrocytic 4; plus strand). Cytogenetic location: 19q13.2.
Variant type: single nucleotide variant.
Coding change: c.3948+1G>A on transcript NM_020971.3 (MANE Select); the canonical splice donor site of the intron after coding-DNA position 3948, G replaced by A.
Molecular consequence: splice donor variant.
Genome position (GRCh38, 1-based): chr19:40,529,132, G>A. VCF-style: chr19-40529132-G-A. GRCh37 (hg19) VCF-style: chr19-41035039-G-A.
Identifiers: ClinVar variation 3775463 (VCV003775463.1).